The following is an entry in ClinVar:

ClinVar aggregate classification (germline): Likely pathogenic (1 of 4 stars; one submission).

Conditions:
Seizures, benign familial infantile, 3 (BFIS3). Also called: Familial neonatal seizures; CONVULSIONS, BENIGN FAMILIAL INFANTILE, 3. Identifiers: Orphanet 140927, Orphanet 306, MedGen C1843140, MONDO:0011904, OMIM 607745.
Developmental and epileptic encephalopathy, 11 (DEE11). Also called: Early infantile epileptic encephalopathy 11. Identifiers: Orphanet 1934, MedGen C3150987, MONDO:0013388, OMIM 613721.

Submission:

Labcorp Genetics (formerly Invitae), Labcorp
Classification: Likely pathogenic for Seizures, benign familial infantile, 3; Developmental and epileptic encephalopathy, 11. Last evaluated: 2022-01-03. Review status: criteria provided, single submitter. Criteria: Invitae Variant Classification Sherloc (09022015). Collection method: clinical testing. Allele origin: germline.
Comment: In summary, the currently available evidence indicates that the variant is pathogenic, but additional data are needed to prove that conclusively. Therefore, this variant has been classified as Likely Pathogenic. Algorithms developed to predict the effect of missense changes on protein structure and function are either unavailable or do not agree on the potential impact of this missense change (SIFT: "Deleterious"; PolyPhen-2: "Probably Damaging"; Align-GVGD: "Class C0"). ClinVar contains an entry for this variant (Variation ID: 859669). This missense change has been observed in individual(s) with clinical features of early infantile epileptic encephalopathy (Invitae). In at least one individual the variant was observed to be de novo. This variant is not present in population databases (gnomAD no frequency). This sequence change replaces alanine, which is neutral and non-polar, with proline, which is neutral and non-polar, at codon 1310 of the SCN2A protein (p.Ala1310Pro).

NM_001040142.2(SCN2A):c.3928G>C (p.Ala1310Pro)

Gene: SCN2A (sodium voltage-gated channel alpha subunit 2; plus strand). Cytogenetic location: 2q24.3.
Variant type: single nucleotide variant.
Coding change: c.3928G>C on transcript NM_001040142.2 (MANE Select); coding-DNA position 3928, G replaced by C.
Protein change: p.Ala1310Pro; replaces alanine 1310 with proline.
Molecular consequence: missense variant.
Genome position (GRCh38, 1-based): chr2:165,373,303, G>C. VCF-style: chr2-165373303-G-C. GRCh37 (hg19) VCF-style: chr2-166229813-G-C.
Other names: c.3928G>C, p.Ala1310Pro (NM_001040143.2, NM_001371246.1, NM_001371247.1 and 1 more transcripts); short protein forms A1310P.
Identifiers: ClinVar variation 859669 (VCV000859669.10), dbSNP rs1701139863, ClinGen allele CA349029285.
Genomic context (GRCh38, chr2:165,373,303, plus strand): 5'-ACTGCAAATGCCTTGGGTTACTCAGAACTTGGTGCCATCAAATCCCTCAGAACACTAAGA[G>C]CTCTGAGGCCACTGAGAGCTTTGTCCCGGTTTGAAGGAATGAGGGTAAGACTGAATGCCT-3'
Protein context (NP_001035232.1, residues 1300-1320): GAIKSLRTLR[Ala1310Pro]LRPLRALSRF